The following is an entry in ClinVar:

NM_001128159.3(VPS53):c.1902_1908dup (p.Tyr637fs)

Gene: VPS53 (VPS53 subunit of GARP complex; minus strand). Cytogenetic location: 17p13.3.
Variant type: Duplication.
Coding change: c.1902_1908dup on transcript NM_001128159.3 (MANE Select); coding-DNA positions 1902 to 1908, 7 bases duplicated (GAGCCCC; older notation c.1902_1908dupGAGCCCC).
Protein change: p.Tyr637fs; shifts the reading frame from tyrosine 637.
Molecular consequence: frameshift variant.
Genome position (GRCh38, 1-based): chr17:537,135-537,141, GGGGCTC duplicated on the plus strand (GAGCCCC on the coding strand, the reverse complement: VPS53 is on the minus strand). VCF-style (leftmost placement, unchanged base first): chr17-537134-A-AGGGGCTC. GRCh37 (hg19) VCF-style: chr17-440374-A-AGGGGCTC.
Other names: c.1902_1908dup, p.Tyr637fs (NM_001366253.2); c.1308_1314dup, p.Tyr439fs (NM_001366254.2); c.1815_1821dup, p.Tyr608fs (NM_018289.4); short protein forms Y439fs, Y608fs, Y637fs.
Identifiers: ClinVar variation 5004746 (VCV005004746.1).

ClinVar aggregate classification (germline): Pathogenic (1 of 4 stars; one submission).

Conditions:
Pontocerebellar hypoplasia type 2E. Identifiers: Orphanet 247198, MedGen C4014488, MONDO:0014370, OMIM 615851.

Submission:

Myriad Genetics, Inc.
Classification: Pathogenic for Pontocerebellar hypoplasia type 2E. Last evaluated: 2026-06-23. Review status: criteria provided, single submitter. Criteria: Myriad Autosomal Dominant, Autosomal Recessive and X-Linked Classification Criteria (2023). Collection method: clinical testing. Allele origin: unknown.
Comment: NM_001128159.2(VPS53):c.1902_1908dup7(Y637Efs*20) is a frameshift variant classified as pathogenic in the context of pontocerebellar hypoplasia, VPS53-related. Y637Efs*20 has not been observed in cases with relevant disease. Relevant functional assessments of this variant are not available in the literature. Y637Efs*20 has not been observed in referenced population frequency databases. In summary, NM_001128159.2(VPS53):c.1902_1908dup7(Y637Efs*20) is a frameshift variant in a gene where loss of function is a known mechanism of disease and is predicted to disrupt protein function. Please note: this variant was assessed in the context of healthy population screening.